The following is an entry in ClinVar:

ClinVar aggregate classification (germline): Uncertain significance (1 of 4 stars; one submission).

Conditions:
Inborn genetic diseases. Identifiers: MedGen C0950123, MeSH D030342.

Submission:

Ambry Genetics
Classification: Uncertain significance for Inborn genetic diseases. Last evaluated: 2026-08-31. Review status: criteria provided, single submitter. Criteria: Ambry Variant Classification Scheme 2023. Collection method: clinical testing. Allele origin: germline.
Comment: The p.K1485I variant (also known as c.4454A>T), located in coding exon 1 of the SAMD9 gene, results from an A to T substitution at nucleotide position 4454. The lysine at codon 1485 is replaced by isoleucine, an amino acid with dissimilar properties. This amino acid position is conserved. In addition, this alteration is predicted to be tolerated by in silico analysis. Based on the available evidence, the clinical significance of this variant remains unclear.

NM_017654.4(SAMD9):c.4454A>T (p.Lys1485Ile)

Gene: SAMD9 (sterile alpha motif domain containing 9; minus strand). Cytogenetic location: 7q21.2.
Variant type: single nucleotide variant.
Coding change: c.4454A>T on transcript NM_017654.4 (MANE Select); coding-DNA position 4454, A replaced by T.
Protein change: p.Lys1485Ile; replaces lysine 1485 with isoleucine.
Molecular consequence: missense variant.
Genome position (GRCh38, 1-based): chr7:93,101,644, T>A on the plus strand (A>T on the coding strand, the complement: SAMD9 is on the minus strand). VCF-style: chr7-93101644-T-A. GRCh37 (hg19) VCF-style: chr7-92730957-T-A.
Other names: c.4454A>T, p.Lys1485Ile (NM_001193307.2); short protein forms K1485I.
Identifiers: ClinVar variation 5028815 (VCV005028815.1).